The following is an entry in ClinVar:

NM_001270974.2(HYDIN):c.3053A>C (p.Glu1018Ala)

Gene: HYDIN (HYDIN axonemal central pair apparatus protein; minus strand). Cytogenetic location: 16q22.2.
Variant type: single nucleotide variant.
Coding change: c.3053A>C on transcript NM_001270974.2 (MANE Select); coding-DNA position 3053, A replaced by C.
Protein change: p.Glu1018Ala; replaces glutamic acid 1018 with alanine.
Molecular consequence: missense variant.
Genome position (GRCh38, 1-based): chr16:71,025,516, T>G on the plus strand (A>C on the coding strand, the complement: HYDIN is on the minus strand). VCF-style: chr16-71025516-T-G. GRCh37 (hg19) VCF-style: chr16-71059419-T-G.
Other names: short protein forms E1018A.
Identifiers: ClinVar variation 3778375 (VCV003778375.7).

ClinVar aggregate classification (germline): Uncertain significance (1 of 4 stars; one submission).

Submission:

CeGaT Center for Human Genetics Tuebingen
Classification: Uncertain significance. Last evaluated: 2025-03-01. Review status: criteria provided, single submitter. Criteria: CeGaT Center For Human Genetics Tuebingen Variant Classification Criteria Version 2. Collection method: clinical testing. Allele origin: germline. Affected: yes. Observed: 1 variant allele.
Comment: HYDIN: PM2, BP4